The following is an entry in ClinVar:

ClinVar aggregate classification (germline): Uncertain significance (1 of 4 stars; one submission).

Conditions:
Cardiovascular phenotype. Identifiers: MedGen CN230736.

gnomAD v4.1: 3 of 1,613,888 alleles (0.00019%); highest among the groups gnomAD compares: Non-Finnish European, 0.00025%; no homozygotes.

Submission:

Ambry Genetics
Classification: Uncertain significance for Cardiovascular phenotype. Last evaluated: 2026-01-17. Review status: criteria provided, single submitter. Criteria: Ambry Variant Classification Scheme 2023. Collection method: clinical testing. Allele origin: germline.
Comment: The p.S1556I variant (also known as c.4667G>T), located in coding exon 33 of the LAMA4 gene, results from a G to T substitution at nucleotide position 4667. The serine at codon 1556 is replaced by isoleucine, an amino acid with dissimilar properties. This amino acid position is conserved. In addition, this alteration is predicted to be tolerated by in silico analysis. Based on the available evidence, the clinical significance of this variant remains unclear.

NM_001105206.3(LAMA4):c.4688G>T (p.Ser1563Ile)

Gene: LAMA4 (laminin subunit alpha 4; minus strand). Cytogenetic location: 6q21.
Variant type: single nucleotide variant.
Coding change: c.4688G>T on transcript NM_001105206.3 (MANE Select); coding-DNA position 4688, G replaced by T.
Protein change: p.Ser1563Ile; replaces serine 1563 with isoleucine.
Molecular consequence: missense variant.
Genome position (GRCh38, 1-based): chr6:112,119,289, C>A on the plus strand (G>T on the coding strand, the complement: LAMA4 is on the minus strand). VCF-style: chr6-112119289-C-A. GRCh37 (hg19) VCF-style: chr6-112440492-C-A.
Other names: c.4667G>T, p.Ser1556Ile (NM_001105207.3, NM_002290.5); short protein forms S1563I, S1556I.
Identifiers: ClinVar variation 4844122 (VCV004844122.1).